The following is an entry in ClinVar:

ClinVar aggregate classification (germline): Uncertain significance (1 of 4 stars; one submission).

gnomAD v4.1: 3 of 1,613,434 alleles (0.00019%); highest among the groups gnomAD compares: Middle Eastern, 0.033%; no homozygotes.

Submission:

CeGaT Center for Human Genetics Tuebingen
Classification: Uncertain significance. Last evaluated: 2024-07-01. Review status: criteria provided, single submitter. Criteria: CeGaT Center For Human Genetics Tuebingen Variant Classification Criteria Version 2. Collection method: clinical testing. Allele origin: germline. Affected: yes. Observed: 1 variant allele.
Comment: KIDINS220: PM2, BP4

NM_020738.4(KIDINS220):c.4040A>G (p.Asn1347Ser)

Gene: KIDINS220 (kinase D interacting substrate 220; minus strand). Cytogenetic location: 2p25.1.
Variant type: single nucleotide variant.
Coding change: c.4040A>G on transcript NM_020738.4 (MANE Select); coding-DNA position 4040, A replaced by G.
Protein change: p.Asn1347Ser; replaces asparagine 1347 with serine.
Molecular consequence: missense variant. On other transcripts: non-coding transcript variant (2).
Genome position (GRCh38, 1-based): chr2:8,733,457, T>C on the plus strand (A>G on the coding strand, the complement: KIDINS220 is on the minus strand). VCF-style: chr2-8733457-T-C. GRCh37 (hg19) VCF-style: chr2-8873587-T-C.
Other names: c.4043A>G, p.Asn1348Ser (NM_001348729.2); c.3986A>G, p.Asn1329Ser (NM_001348731.2); c.3983A>G, p.Asn1328Ser (NM_001348732.2, NM_001348738.2); c.3872A>G, p.Asn1291Ser (NM_001348734.2, NM_001348739.2, NM_001348740.2); c.3869A>G, p.Asn1290Ser (NM_001348735.2, NM_001348741.2, NM_001348742.2 and 1 more transcripts); c.3743A>G, p.Asn1248Ser (NM_001348736.2); short protein forms N1248S, N1290S, N1291S, N1328S, N1329S, N1347S, N1348S.
Identifiers: ClinVar variation 3257146 (VCV003257146.17).